The following is an entry in ClinVar:

NM_000424.4(KRT5):c.1474+3A>C

Gene: KRT5 (keratin 5; minus strand). Cytogenetic location: 12q13.13.
Variant type: single nucleotide variant.
Coding change: c.1474+3A>C on transcript NM_000424.4 (MANE Select); 3 bases into the intron after coding-DNA position 1474, A replaced by C.
Molecular consequence: intron variant.
Genome position (GRCh38, 1-based): chr12:52,515,795, T>G on the plus strand (A>C on the coding strand, the complement: KRT5 is on the minus strand). VCF-style: chr12-52515795-T-G. GRCh37 (hg19) VCF-style: chr12-52909579-T-G.
Identifiers: ClinVar variation 380490 (VCV000380490.2), dbSNP rs111448623, ClinGen allele CA16607372.

ClinVar aggregate classification (germline): Likely pathogenic (1 of 4 stars; one submission).

Submission:

GeneDx
Classification: Likely pathogenic. Last evaluated: 2016-11-27. Review status: criteria provided, single submitter. Criteria: GeneDx Variant Classification (06012015). Collection method: clinical testing. Allele origin: germline. Affected: yes.
Comment: The c.1474+3A>C variant in the KRT5 gene has not been reported previously as a pathogenic variant nor as a benign variant, to our knowledge. This variant reduces the quality of the splice donor site in intron 8, and is expected to cause abnormal gene splicing. Other KRT5 splice pathogenic variants listed in HGMD include canonical and non-canonical splice variants at the same donor site (c.1474+1G>A and c.1474+4A>G). This position is conserved across mammals. The c.1474+3A>C variant was not observed in approximately 6500 individuals of European and African American ancestry in the NHLBI Exome Sequencing Project, indicating it is not a common benign variant in these populations. We interpret c.1474+3A>C as a likely pathogenic variant.